The following is an entry in ClinVar:

ClinVar aggregate classification (germline): Uncertain significance. Review status: criteria provided, multiple submitters, no conflicts (2 of 4 stars). 2 submissions from 2 submitters: Uncertain significance (2). Last evaluated 2025-10-08.

Allele frequency attached by ClinVar (database versions not stated): gnomAD 0.00001; gnomAD exomes 0.00001 and 0.00002.
gnomAD v4.1: 26 of 1,614,030 alleles (0.0016%); highest among the groups gnomAD compares: Middle Eastern, 0.016%; no homozygotes.

Submissions (2):

Ambry Genetics
Classification: Uncertain significance. Last evaluated: 2025-10-08. Review status: criteria provided, single submitter. Criteria: Ambry Variant Classification Scheme 2023. Collection method: clinical testing. Allele origin: germline.

Labcorp Genetics (formerly Invitae), Labcorp
Classification: Uncertain significance. Last evaluated: 2024-10-21. Review status: criteria provided, single submitter. Criteria: Invitae Variant Classification Sherloc (09022015). Collection method: clinical testing. Allele origin: germline.
Comment: This sequence change replaces arginine, which is basic and polar, with cysteine, which is neutral and slightly polar, at codon 600 of the LRRC8A protein (p.Arg600Cys). This variant is present in population databases (no rsID available, gnomAD 0.003%). This variant has not been reported in the literature in individuals affected with LRRC8A-related conditions. ClinVar contains an entry for this variant (Variation ID: 1482861). An algorithm developed to predict the effect of missense changes on protein structure and function (PolyPhen-2) suggests that this variant is likely to be tolerated. In summary, the available evidence is currently insufficient to determine the role of this variant in disease. Therefore, it has been classified as a Variant of Uncertain Significance.

NM_019594.4(LRRC8A):c.1798C>T (p.Arg600Cys)

Gene: LRRC8A (leucine rich repeat containing 8 VRAC subunit A; plus strand). Cytogenetic location: 9q34.11.
Variant type: single nucleotide variant.
Coding change: c.1798C>T on transcript NM_019594.4 (MANE Select); coding-DNA position 1798, C replaced by T.
Protein change: p.Arg600Cys; replaces arginine 600 with cysteine.
Molecular consequence: missense variant.
Genome position (GRCh38, 1-based): chr9:128,908,962, C>T. VCF-style: chr9-128908962-C-T. GRCh37 (hg19) VCF-style: chr9-131671241-C-T.
Other names: c.1798C>T, p.Arg600Cys (NM_001127244.2, NM_001127245.2); c.1798C>T (NM_001127244.1); short protein forms R600C.
Identifiers: ClinVar variation 1482861 (VCV001482861.9), dbSNP rs894653902, ClinGen allele CA200416455.